The following is an entry in ClinVar:

ClinVar aggregate classification (germline): Likely pathogenic. Review status: criteria provided, multiple submitters, no conflicts (2 of 4 stars). 2 submissions from 2 submitters: Likely pathogenic (2). Last evaluated 2023-05-02.

Conditions:
Dilated cardiomyopathy 1G (CMD1G). Identifiers: Orphanet 154, MedGen C1858763, MONDO:0011400, OMIM 604145.
Autosomal recessive limb-girdle muscular dystrophy type 2J (LGMDR10). Also called: Limb-girdle muscular dystrophy, type 2J; MUSCULAR DYSTROPHY, LIMB-GIRDLE, AUTOSOMAL RECESSIVE 10. Identifiers: Orphanet 140922, MedGen C1837342, MONDO:0012127, OMIM 608807.
Early-onset myopathy with fatal cardiomyopathy (CMYO5). Also called: Salih Myopathy; CONGENITAL MYOPATHY 5 WITH CARDIOMYOPATHY. Identifiers: Orphanet 289377, MedGen C2673677, MONDO:0012714, OMIM 611705. Disease mechanism: loss of function.

Submissions (2):

Broad Center for Mendelian Genomics, Broad Institute of MIT and Harvard
Classification: Likely pathogenic for Early-onset myopathy with fatal cardiomyopathy. Last evaluated: 2023-05-02. Review status: criteria provided, single submitter. Criteria: ACMG Guidelines, 2015. Collection method: curation. Allele origin: germline. Inheritance: Autosomal recessive inheritance.
Comment: Trio exome analysis revealed that this variant was in trans with a variant of uncertain significance (ClinVar Variation ID: 202275). The p.Lys29685Ter variant in TTN has not been previously reported in individuals with Salih myopathy. This variant was absent from large population studies. This nonsense variant leads to a premature termination codon at position 29685, which is predicted to lead to a truncated or absent protein. Loss of function of the TTN gene is an established disease mechanism in autosomal recessive Salih myopathy. In summary, although additional studies are required to fully establish its clinical significance, this variant is likely pathogenic for Salih myopathy. ACMG/AMP Criteria applied: PVS1, PM2_Supporting (Richards 2015).

Labcorp Genetics (formerly Invitae), Labcorp
Classification: Likely pathogenic for Dilated cardiomyopathy 1G; Autosomal recessive limb-girdle muscular dystrophy type 2J. Last evaluated: 2022-08-22. Review status: criteria provided, single submitter. Criteria: Invitae Variant Classification Sherloc (09022015). Collection method: clinical testing. Allele origin: germline.
Comment: This sequence change creates a premature translational stop signal (p.Lys29685*) in the TTN gene. While this is not anticipated to result in nonsense mediated decay, it is expected to create a truncated TTN protein. This variant is not present in population databases (gnomAD no frequency). This variant has not been reported in the literature in individuals affected with TTN-related conditions. This variant is located in the A band of TTN (PMID: 25589632). Truncating variants in this region are significantly overrepresented in patients affected with dilated cardiomyopathy (PMID: 25589632). Truncating variants in this region have also been reported in individuals affected with autosomal recessive centronuclear myopathy (PMID: 23975875). In summary, the currently available evidence indicates that the variant is pathogenic, but additional data are needed to prove that conclusively. Therefore, this variant has been classified as Likely Pathogenic.

Literature cited by the submitters: PubMed 25589632 (cited by Labcorp Genetics (formerly Invitae), Labcorp); PubMed 23975875 (cited by Labcorp Genetics (formerly Invitae), Labcorp).

NM_001267550.2(TTN):c.89053A>T (p.Lys29685Ter)

Genes: TTN (titin; minus strand), TTN-AS1 (TTN antisense RNA 1; plus strand). Cytogenetic location: 2q31.2.
Variant type: single nucleotide variant.
Coding change: c.89053A>T on transcript NM_001267550.2 (MANE Select); coding-DNA position 89053, A replaced by T.
Protein change: p.Lys29685Ter; replaces lysine 29685 with a stop codon.
Molecular consequence: nonsense.
Genome position (GRCh38, 1-based): chr2:178,554,058, T>A on the plus strand (A>T on the coding strand, the complement: TTN is on the minus strand). VCF-style: chr2-178554058-T-A. GRCh37 (hg19) VCF-style: chr2-179418785-T-A.
Other names: NR_038272.1:n.2043+11697T>A; c.84130A>T, p.Lys28044Ter (NM_001256850.1); c.61858A>T, p.Lys20620Ter (NM_003319.4); c.81349A>T, p.Lys27117Ter (NM_133378.4); c.62233A>T, p.Lys20745Ter (NM_133432.3); c.62434A>T, p.Lys20812Ter (NM_133437.4); short protein forms K20745*, K29685*, K27117*, K28044*, K20620*, K20812*.
Identifiers: ClinVar variation 2026244 (VCV002026244.5), dbSNP rs2469352999, ClinGen allele CA349521315.